The following is an entry in ClinVar:

ClinVar aggregate classification (germline): Pathogenic/Likely pathogenic. Review status: criteria provided, multiple submitters, no conflicts (2 of 4 stars). 2 submissions from 2 submitters: Pathogenic (1); Likely pathogenic (1). Last evaluated 2023-10-03.

Conditions:
Charcot-Marie-Tooth disease axonal type 2V. Also called: CHARCOT-MARIE-TOOTH NEUROPATHY, TYPE 2V; CHARCOT-MARIE-TOOTH DISEASE, AXONAL, AUTOSOMAL DOMINANT, TYPE 2V. Identifiers: Orphanet 447964, MedGen C5569050, MONDO:0014665, OMIM 616491.
Mucopolysaccharidosis, MPS-III-B (MPS3B). Also called: N-ACETYL-ALPHA-D-GLUCOSAMINIDASE DEFICIENCY; NAGLU DEFICIENCY; SANFILIPPO SYNDROME B; MPS III B; MUCOPOLYSACCHARIDOSIS, TYPE IIIB; MPS IIIB (Sanfilippo Syndrome Type B). Identifiers: Orphanet 79270, MedGen C0086648, MONDO:0009656, OMIM 252920.
NAGLU-related disorder. Also called: NAGLU-related condition.

Submissions (2):

Labcorp Genetics (formerly Invitae), Labcorp
Classification: Pathogenic for Charcot-Marie-Tooth disease axonal type 2V; Mucopolysaccharidosis, MPS-III-B. Last evaluated: 2023-10-03. Review status: criteria provided, single submitter. Criteria: Invitae Variant Classification Sherloc (09022015). Collection method: clinical testing. Allele origin: germline.
Comment: This sequence change creates a premature translational stop signal (p.Trp494*) in the NAGLU gene. While this is not anticipated to result in nonsense mediated decay, it is expected to disrupt the last 250 amino acid(s) of the NAGLU protein. This variant is not present in population databases (gnomAD no frequency). This premature translational stop signal has been observed in individual(s) with mucopolysaccharidosis type III (PMID: 10094189). ClinVar contains an entry for this variant (Variation ID: 2138027). This variant disrupts a region of the NAGLU protein in which other variant(s) (p.Gln706*) have been determined to be pathogenic (PMID: 9443875, 29661560). This suggests that this is a clinically significant region of the protein, and that variants that disrupt it are likely to be disease-causing. For these reasons, this variant has been classified as Pathogenic.

Blueprint Genetics
Classification: Likely pathogenic for NAGLU-related disorders. Last evaluated: 2022-03-11. Review status: criteria provided, single submitter. Criteria: ACMG Guidelines, 2015. Collection method: clinical testing. Allele origin: germline. Affected: yes. Observed: 1 variant allele.

Literature cited by the submitters: PubMed 10094189 (cited by Labcorp Genetics (formerly Invitae), Labcorp); PubMed 9443875 (cited by Labcorp Genetics (formerly Invitae), Labcorp); PubMed 29661560 (cited by Labcorp Genetics (formerly Invitae), Labcorp).

NM_000263.4(NAGLU):c.1482G>A (p.Trp494Ter)

Gene: NAGLU (N-acetyl-alpha-glucosaminidase; plus strand). Cytogenetic location: 17q21.2.
Variant type: single nucleotide variant.
Coding change: c.1482G>A on transcript NM_000263.4 (MANE Select); coding-DNA position 1482, G replaced by A.
Protein change: p.Trp494Ter; replaces tryptophan 494 with a stop codon.
Molecular consequence: nonsense.
Genome position (GRCh38, 1-based): chr17:42,543,488, G>A. VCF-style: chr17-42543488-G-A. GRCh37 (hg19) VCF-style: chr17-40695506-G-A.
Other names: short protein forms W494*.
Identifiers: ClinVar variation 2138027 (VCV002138027.5), dbSNP rs1165365401, ClinGen allele CA399603952.